The following is an entry in ClinVar:

NM_005877.6(SF3A1):c.327G>A (p.Pro109=)

Gene: SF3A1 (splicing factor 3a subunit 1; minus strand). Cytogenetic location: 22q12.2.
Variant type: single nucleotide variant.
Coding change: c.327G>A on transcript NM_005877.6 (MANE Select); coding-DNA position 327, G replaced by A.
Protein change: p.Pro109=; no amino-acid change (proline 109 retained).
Molecular consequence: synonymous variant.
Genome position (GRCh38, 1-based): chr22:30,346,378, C>T on the plus strand (G>A on the coding strand, the complement: SF3A1 is on the minus strand). VCF-style: chr22-30346378-C-T. GRCh37 (hg19) VCF-style: chr22-30742367-C-T.
Identifiers: ClinVar variation 4582797 (VCV004582797.2).

ClinVar aggregate classification (germline): Likely benign. Review status: criteria provided, multiple submitters, no conflicts (2 of 4 stars). 2 submissions from 2 submitters: Likely benign (2). Last evaluated 2026-08-01.

gnomAD v4.1: 23 of 1,614,006 alleles (0.0014%); highest among the groups gnomAD compares: Middle Eastern, 0.017%; no homozygotes.

Submissions (2):

CeGaT Center for Human Genetics Tuebingen
Classification: Likely benign. Last evaluated: 2026-08-01. Review status: criteria provided, single submitter. Criteria: CeGaT Center For Human Genetics Tuebingen Variant Classification Criteria Version 2. Collection method: clinical testing. Allele origin: germline. Affected: yes. Observed: 1 variant allele.
Comment: SF3A1: BP4, BP7

Ambry Genetics
Classification: Likely benign. Last evaluated: 2025-11-20. Review status: criteria provided, single submitter. Criteria: Ambry Variant Classification Scheme 2023. Collection method: clinical testing. Allele origin: germline.